The following is an entry in ClinVar:

ClinVar aggregate classification (germline): Uncertain significance (1 of 4 stars; one submission).

gnomAD v4.1: 2 of 1,614,170 alleles (0.00012%); highest among the groups gnomAD compares: Non-Finnish European, 0.00017%; no homozygotes.

Submission:

GeneDx
Classification: Uncertain significance. Last evaluated: 2023-12-27. Review status: criteria provided, single submitter. Criteria: GeneDx Variant Classification Process June 2021. Collection method: clinical testing. Allele origin: germline. Affected: yes.
Comment: Not observed at significant frequency in large population cohorts (gnomAD); In silico analysis supports that this missense variant has a deleterious effect on protein structure/function; Has not been previously published as pathogenic or benign to our knowledge

NM_001367943.1(TCF7L2):c.638C>T (p.Pro213Leu)

Gene: TCF7L2 (transcription factor 7 like 2; plus strand). Cytogenetic location: 10q25.3.
Variant type: single nucleotide variant.
Coding change: c.638C>T on transcript NM_001367943.1 (MANE Select); coding-DNA position 638, C replaced by T.
Protein change: p.Pro213Leu; replaces proline 213 with leucine.
Molecular consequence: missense variant.
Genome position (GRCh38, 1-based): chr10:113,141,269, C>T. VCF-style: chr10-113141269-C-T. GRCh37 (hg19) VCF-style: chr10-114901028-C-T.
Other names: c.638C>T, p.Pro213Leu (NM_001146274.2, NM_001198531.2, NM_001363501.2); c.710C>T, p.Pro237Leu (NM_001146283.2); c.569C>T, p.Pro190Leu (NM_001146284.2, NM_001146285.2, NM_001146286.2 and 6 more transcripts); c.467C>T, p.Pro156Leu (NM_001198530.2); c.209C>T, p.Pro70Leu (NM_001349870.2); c.89C>T, p.Pro30Leu (NM_001349871.1); short protein forms P156L, P190L, P213L, P237L, P30L, P70L.
Identifiers: ClinVar variation 3367369 (VCV003367369.1).